The following is an entry in ClinVar:

ClinVar aggregate classification (germline): Uncertain significance (1 of 4 stars; one submission).

Conditions:
Familial colorectal cancer. Identifiers: MedGen CN280943, MONDO:0023113. Disease mechanism: loss of function.

Submission:

Labcorp Genetics (formerly Invitae), Labcorp
Classification: Uncertain significance for Familial colorectal cancer. Last evaluated: 2019-07-08. Review status: criteria provided, single submitter. Criteria: Invitae Variant Classification Sherloc (09022015). Collection method: clinical testing. Allele origin: germline.
Comment: This variant results in a copy number gain of the genomic region encompassing the promoter of the GREM1 gene. The precise boundaries of this event are unknown. Two different tandem duplications (40 kb and 16 kb) spanning the 3' end of the SCG5 gene and the region upstream of the GREM1 gene have been reported in families with hereditary mixed polyposis syndrome (PMID: 22561515, 25992589, 26493165). However, the variant identified in this individual occurs further upstream of those variants, and the impact of this duplicated sequence on GREM1 expression and function has not been established. In summary, the available evidence is currently insufficient to determine the role of this variant in disease. Therefore, it has been classified as a Variant of Uncertain Significance.

Literature cited by the submitters: PubMed 22561515; PubMed 25992589; PubMed 26493165.

NC_000015.10:g.(?_32694020)_(32731255_?)dup

Genes: GREM1 (gremlin 1, DAN family BMP antagonist; plus strand), SCG5 (secretogranin V; plus strand). Cytogenetic location: 15q13.3.
Variant type: Duplication.
Identifiers: ClinVar variation 830504 (VCV000830504.2).